The following is an entry in ClinVar:

NM_172107.4(KCNQ2):c.2260G>A (p.Ala754Thr)

Gene: KCNQ2 (potassium voltage-gated channel subfamily Q member 2; minus strand). Cytogenetic location: 20q13.33.
Variant type: single nucleotide variant.
Coding change: c.2260G>A on transcript NM_172107.4 (MANE Select); coding-DNA position 2260, G replaced by A.
Protein change: p.Ala754Thr; replaces alanine 754 with threonine.
Molecular consequence: missense variant.
Genome position (GRCh38, 1-based): chr20:63,407,003, C>T on the plus strand (G>A on the coding strand, the complement: KCNQ2 is on the minus strand). VCF-style: chr20-63407003-C-T. GRCh37 (hg19) VCF-style: chr20-62038356-C-T.
Other names: c.2314G>A, p.Ala772Thr (NM_001382235.1); c.2176G>A, p.Ala726Thr (NM_004518.6); c.2206G>A, p.Ala736Thr (NM_172106.3); c.2167G>A, p.Ala723Thr (NM_172108.5); short protein forms A726T, A723T, A736T, A754T, A772T.
Identifiers: ClinVar variation 1040253 (VCV001040253.10), dbSNP rs773822234, ClinGen allele CA9958113.
Genomic context (GRCh38, chr20:63,407,003, plus strand): 5'-AGCCCGGGGTGTCCTCCTGCCGCAGGAACTCCATGCTGGCGCGGTTGCCCCCGCCGTAGG[C>T]GGACAGCGACCGCTCGTGGGCAGGCGGCGGCGGGATGCGCACCAGGGAGCCGTGGTCCCC-3'
Protein context (NP_742105.1, residues 744-764): PPPAHERSLS[Ala754Thr]YGGGNRASME

ClinVar aggregate classification (germline): Uncertain significance. Review status: criteria provided, multiple submitters, no conflicts (2 of 4 stars). 2 submissions from 2 submitters: Uncertain significance (2). Last evaluated 2024-10-23.

Conditions:
Early-infantile DEE. Also called: Ohtahara syndrome; Early infantile epileptic encephalopathy with suppression bursts; Early infantile epileptic encephalopathy. Identifiers: Orphanet 1934, MedGen C0393706, MONDO:0800491.

Allele frequency attached by ClinVar (database versions not stated): gnomAD exomes 0.00001 and 0.00003; ExAC 0.00007.
gnomAD v4.1: 18 of 1,536,744 alleles (0.0012%); highest among the groups gnomAD compares: Middle Eastern, 0.017%; no homozygotes.

Submissions (2):

Labcorp Genetics (formerly Invitae), Labcorp
Classification: Uncertain significance for Early-infantile DEE. Last evaluated: 2024-10-23. Review status: criteria provided, single submitter. Criteria: Invitae Variant Classification Sherloc (09022015). Collection method: clinical testing. Allele origin: germline.
Comment: This sequence change replaces alanine, which is neutral and non-polar, with threonine, which is neutral and polar, at codon 754 of the KCNQ2 protein (p.Ala754Thr). The frequency data for this variant in the population databases is considered unreliable, as metrics indicate poor data quality at this position in the gnomAD database. This variant has not been reported in the literature in individuals affected with KCNQ2-related conditions. ClinVar contains an entry for this variant (Variation ID: 1040253). Invitae Evidence Modeling of protein sequence and biophysical properties (such as structural, functional, and spatial information, amino acid conservation, physicochemical variation, residue mobility, and thermodynamic stability) has been performed for this missense variant. However, the output from this modeling did not meet the statistical confidence thresholds required to predict the impact of this variant on KCNQ2 protein function. In summary, the available evidence is currently insufficient to determine the role of this variant in disease. Therefore, it has been classified as a Variant of Uncertain Significance.

Women's Health and Genetics/Laboratory Corporation of America, LabCorp
Classification: Uncertain significance. Last evaluated: 2022-12-08. Review status: criteria provided, single submitter. Criteria: LabCorp Variant Classification Summary - May 2015. Collection method: clinical testing. Allele origin: germline.
Comment: Variant summary: KCNQ2 c.2260G>A (p.Ala754Thr) results in a non-conservative amino acid change in the encoded protein sequence. Three of five in-silico tools predict a damaging effect of the variant on protein function. The variant allele was found at a frequency of 3.5e-05 in 143260 control chromosomes. The available data on variant occurrences in the general population are insufficient to allow any conclusion about variant significance. To our knowledge, no occurrence of c.2260G>A in individuals affected with KCNQ2-Related Disorders and no experimental evidence demonstrating its impact on protein function have been reported. One clinical diagnostic laboratory has submitted clinical-significance assessments for this variant to ClinVar after 2014 without evidence for independent evaluation. One laboratory classified the variant as uncertain significance. Based on the evidence outlined above, the variant was classified as uncertain significance.